The following is an entry in ClinVar:

ClinVar aggregate classification (germline): Uncertain significance (1 of 4 stars; one submission).

Allele frequency attached by ClinVar (database versions not stated): TOPMed below 0.00001; gnomAD 0.00001.
gnomAD v4.1: 2 of 1,614,046 alleles (0.00012%); highest among the groups gnomAD compares: Non-Finnish European, 0.00017%; no homozygotes.

Submission:

GeneDx
Classification: Uncertain significance. Last evaluated: 2022-12-13. Review status: criteria provided, single submitter. Criteria: GeneDx Variant Classification Process June 2021. Collection method: clinical testing. Allele origin: germline. Affected: yes.
Comment: Not observed at significant frequency in large population cohorts (gnomAD); In silico analysis supports that this missense variant does not alter protein structure/function; Has not been previously published as pathogenic or benign to our knowledge

NM_004415.4(DSP):c.2429G>A (p.Gly810Glu)

Gene: DSP (desmoplakin; plus strand). Cytogenetic location: 6p24.3.
Variant type: single nucleotide variant.
Coding change: c.2429G>A on transcript NM_004415.4 (MANE Select); coding-DNA position 2429, G replaced by A.
Protein change: p.Gly810Glu; replaces glycine 810 with glutamic acid.
Molecular consequence: missense variant.
Genome position (GRCh38, 1-based): chr6:7,574,788, G>A. VCF-style: chr6-7574788-G-A. GRCh37 (hg19) VCF-style: chr6-7575021-G-A.
Other names: c.2429G>A, p.Gly810Glu (NM_001008844.3, NM_001319034.2); short protein forms G810E.
Identifiers: ClinVar variation 2505927 (VCV002505927.1), dbSNP rs1214751115, ClinGen allele CA362681304.